The following is an entry in ClinVar:

ClinVar aggregate classification (germline): Likely benign (1 of 4 stars; one submission).

Submission:

CeGaT Center for Human Genetics Tuebingen
Classification: Likely benign. Last evaluated: 2024-06-01. Review status: criteria provided, single submitter. Criteria: CeGaT Center For Human Genetics Tuebingen Variant Classification Criteria Version 2. Collection method: clinical testing. Allele origin: germline. Affected: yes. Observed: 1 variant allele.
Comment: CD6: PM2:Supporting, BP4, BP7

NM_006725.5(CD6):c.1818C>G (p.Gly606=)

Gene: CD6 (CD6 molecule; plus strand). Cytogenetic location: 11q12.2.
Variant type: single nucleotide variant.
Coding change: c.1818C>G on transcript NM_006725.5 (MANE Select); coding-DNA position 1818, C replaced by G.
Protein change: p.Gly606=; no amino-acid change (glycine 606 retained).
Molecular consequence: synonymous variant. On other transcripts: non-coding transcript variant (1).
Genome position (GRCh38, 1-based): chr11:61,017,994, C>G. VCF-style: chr11-61017994-C-G. GRCh37 (hg19) VCF-style: chr11-60785466-C-G.
Other names: c.1722C>G, p.Gly574= (NM_001254750.2); c.1695C>G, p.Gly565= (NM_001254751.2).
Identifiers: ClinVar variation 3250742 (VCV003250742.18), dbSNP rs2539344922.